The following is an entry in ClinVar:

ClinVar aggregate classification (germline): Uncertain significance (1 of 4 stars; one submission).

Submission:

Labcorp Genetics (formerly Invitae), Labcorp
Classification: Uncertain significance. Last evaluated: 2023-10-16. Review status: criteria provided, single submitter. Criteria: Invitae Variant Classification Sherloc (09022015). Collection method: clinical testing. Allele origin: germline.
Comment: This sequence change replaces aspartic acid, which is acidic and polar, with asparagine, which is neutral and polar, at codon 1279 of the SETBP1 protein (p.Asp1279Asn). This variant is not present in population databases (gnomAD no frequency). This variant has not been reported in the literature in individuals affected with SETBP1-related conditions. Advanced modeling of protein sequence and biophysical properties (such as structural, functional, and spatial information, amino acid conservation, physicochemical variation, residue mobility, and thermodynamic stability) performed at Invitae indicates that this missense variant is not expected to disrupt SETBP1 protein function. In summary, the available evidence is currently insufficient to determine the role of this variant in disease. Therefore, it has been classified as a Variant of Uncertain Significance.

NM_015559.3(SETBP1):c.3835G>A (p.Asp1279Asn)

Gene: SETBP1 (SET binding protein 1; plus strand). Cytogenetic location: 18q12.3.
Variant type: single nucleotide variant.
Coding change: c.3835G>A on transcript NM_015559.3 (MANE Select); coding-DNA position 3835, G replaced by A.
Protein change: p.Asp1279Asn; replaces aspartic acid 1279 with asparagine.
Molecular consequence: missense variant.
Genome position (GRCh38, 1-based): chr18:44,953,175, G>A. VCF-style: chr18-44953175-G-A. GRCh37 (hg19) VCF-style: chr18-42533140-G-A.
Other names: c.3835G>A, p.Asp1279Asn (NM_001379141.1, NM_001379142.1, NM_001410862.1); short protein forms D1279N.
Identifiers: ClinVar variation 2835866 (VCV002835866.3), dbSNP rs2511477477, ClinGen allele CA402325285.